The following is an entry in ClinVar:

NM_002474.3(MYH11):c.346-10C>T

Gene: MYH11 (myosin heavy chain 11; minus strand). Cytogenetic location: 16p13.11.
Variant type: single nucleotide variant.
Coding change: c.346-10C>T on transcript NM_002474.3 (MANE Select); 10 bases into the intron before coding-DNA position 346, C replaced by T.
Molecular consequence: intron variant.
Genome position (GRCh38, 1-based): chr16:15,823,421, G>A on the plus strand (C>T on the coding strand, the complement: MYH11 is on the minus strand). VCF-style: chr16-15823421-G-A. GRCh37 (hg19) VCF-style: chr16-15917278-G-A.
Other names: c.346-10C>T (NM_022844.3, NM_001040114.2, NM_001040113.2).
Identifiers: ClinVar variation 1602177 (VCV001602177.9), dbSNP rs778973081, ClinGen allele CA7923069.
Genomic context (GRCh38, chr16:15,823,421, plus strand): 5'-GGGCAGGTGTTTATAGGGGTTGACCACCACGCAGAAGAGGCCAGAGTACGTCTGCAGACA[G>A]AGAACCCAGCTTACTTCCAGACCTCCTCCAGGGTAGACAGATTGCACAGAAGCACTCAAT-3'

ClinVar aggregate classification (germline): Likely benign. Review status: criteria provided, multiple submitters, no conflicts (2 of 4 stars). 3 submissions from 3 submitters: Likely benign (3). Last evaluated 2023-12-13.

Conditions:
Aortic aneurysm, familial thoracic 4 (AAT4). Also called: AORTIC ANEURYSM/AORTIC DISSECTION AND PATENT DUCTUS ARTERIOSUS. Identifiers: MedGen C1851504, MONDO:0007568, OMIM 132900.
Familial thoracic aortic aneurysm and aortic dissection (TAAD). Also called: Thoracic aortic aneurysms and dissections. Identifiers: Orphanet 91387, MedGen C4707243, MONDO:0019625.

Allele frequency attached by ClinVar (database versions not stated): gnomAD exomes below 0.00001 and 0.00001; TOPMed below 0.00001; gnomAD 0.00001; ExAC 0.00002.
gnomAD v4.1: 7 of 1,614,062 alleles (0.00043%); highest among the groups gnomAD compares: African/African-American, 0.0013%; no homozygotes.

Submissions (3):

All of Us Research Program, National Institutes of Health
Classification: Likely benign for Familial thoracic aortic aneurysm and aortic dissection. Last evaluated: 2023-12-13. Review status: criteria provided, single submitter. Criteria: ACMG Guidelines, 2015. Collection method: clinical testing. Allele origin: germline. Inheritance: Autosomal dominant inheritance. Observed: 2 variant alleles, 2 heterozygotes.
Comment: This study involves interpretation of variants in research participants for the purpose of population health screening. Participant phenotype was not available at the time of variant classification. Additional details can be found in publication PMID: 35346344, PMCID: PMC8962531

Color Diagnostics, LLC DBA Color Health
Classification: Likely benign for Familial thoracic aortic aneurysm and aortic dissection. Last evaluated: 2023-09-20. Review status: criteria provided, single submitter. Criteria: ACMG Guidelines, 2015. Collection method: clinical testing. Allele origin: germline.

Labcorp Genetics (formerly Invitae), Labcorp
Classification: Likely benign for Aortic aneurysm, familial thoracic 4. Last evaluated: 2023-07-30. Review status: criteria provided, single submitter. Criteria: Invitae Variant Classification Sherloc (09022015). Collection method: clinical testing. Allele origin: germline.